The following is an entry in ClinVar:

NM_003055.3(SLC18A3):c.1078G>T (p.Gly360Cys)

Genes: CHAT (choline O-acetyltransferase; plus strand), SLC18A3 (solute carrier family 18 member A3; plus strand). Cytogenetic location: 10q11.23.
Variant type: single nucleotide variant.
Coding change: c.1078G>T on transcript NM_003055.3 (MANE Select); coding-DNA position 1078, G replaced by T.
Protein change: p.Gly360Cys; replaces glycine 360 with cysteine.
Molecular consequence: missense variant. On other transcripts: intron variant (1).
Genome position (GRCh38, 1-based): chr10:49,611,818, G>T. VCF-style: chr10-49611818-G-T. GRCh37 (hg19) VCF-style: chr10-50819864-G-T.
Other names: c.-69+2619G>T (NM_020984.4); short protein forms G360C.
Identifiers: ClinVar variation 1448274 (VCV001448274.5), dbSNP rs200313362, ClinGen allele CA5496896.

ClinVar aggregate classification (germline): Uncertain significance (1 of 4 stars; one submission).

Allele frequency attached by ClinVar (database versions not stated): ExAC 0.00008; ESP Exome Variant Server 0.00008; gnomAD 0.00006 and 0.00007; gnomAD exomes 0.00009.
gnomAD v4.1: 113 of 1,603,476 alleles (0.007%); highest among the groups gnomAD compares: Non-Finnish European, 0.0029%; no homozygotes.

Submission:

Labcorp Genetics (formerly Invitae), Labcorp
Classification: Uncertain significance. Last evaluated: 2023-08-04. Review status: criteria provided, single submitter. Criteria: Invitae Variant Classification Sherloc (09022015). Collection method: clinical testing. Allele origin: germline.
Comment: This sequence change replaces glycine, which is neutral and non-polar, with cysteine, which is neutral and slightly polar, at codon 360 of the SLC18A3 protein (p.Gly360Cys). This variant is present in population databases (rs200313362, gnomAD 0.2%). In summary, the available evidence is currently insufficient to determine the role of this variant in disease. Therefore, it has been classified as a Variant of Uncertain Significance. Advanced modeling of protein sequence and biophysical properties (such as structural, functional, and spatial information, amino acid conservation, physicochemical variation, residue mobility, and thermodynamic stability) performed at Invitae indicates that this missense variant is not expected to disrupt SLC18A3 protein function. ClinVar contains an entry for this variant (Variation ID: 1448274). This variant has not been reported in the literature in individuals affected with SLC18A3-related conditions.